The following is an entry in ClinVar:

NM_001385641.1(SAMD11):c.906C>G (p.Pro302=)

Gene: SAMD11 (sterile alpha motif domain containing 11; plus strand). Cytogenetic location: 1p36.33.
Variant type: single nucleotide variant.
Coding change: c.906C>G on transcript NM_001385641.1 (MANE Select); coding-DNA position 906, C replaced by G.
Protein change: p.Pro302=; no amino-acid change (proline 302 retained).
Molecular consequence: synonymous variant.
Genome position (GRCh38, 1-based): chr1:935,835, C>G. VCF-style: chr1-935835-C-G. GRCh37 (hg19) VCF-style: chr1-871215-C-G.
Other names: c.369C>G (NM_152486.2); c.906C>G, p.Pro302= (NM_001385640.1); c.369C>G, p.Pro123= (NM_152486.4).
Identifiers: ClinVar variation 1170011 (VCV001170011.12), dbSNP rs28419423, ClinGen allele CA502578.

ClinVar aggregate classification (germline): Benign. Review status: criteria provided, multiple submitters, no conflicts (2 of 4 stars). 3 submissions from 3 submitters: Benign (2). 1 of the submissions does not count toward it. Last evaluated 2026-02-03.

Conditions:
SAMD11-related disorder. Also called: SAMD11-related condition.

Allele frequency attached by ClinVar (database versions not stated): ESP Exome Variant Server 0.01038; 1000 Genomes Project 30x 0.05247; 1000 Genomes Project 0.05351.
gnomAD v4.1: 20,610 of 1,613,350 alleles (1.3%); highest among the groups gnomAD compares: East Asian, 15%; 1,034 homozygotes.

Submissions (3):

Labcorp Genetics (formerly Invitae), Labcorp
Classification: Benign. Last evaluated: 2026-02-03. Review status: criteria provided, single submitter. Criteria: Invitae Variant Classification Sherloc (09022015). Collection method: clinical testing. Allele origin: germline.

Breakthrough Genomics
Classification: Benign. Review status: criteria provided, single submitter. Criteria: ACMG Guidelines, 2015. Collection method: not provided. Allele origin: germline. Inheritance: Unknown mechanism. Affected: yes.

PreventionGenetics, part of Exact Sciences
Classification: Benign for SAMD11-related condition. Last evaluated: 2020-01-08. Review status: no assertion criteria provided. Collection method: clinical testing. Allele origin: germline. Not counted in ClinVar's aggregate classification.
Comment: This variant is classified as benign based on ACMG/AMP sequence variant interpretation guidelines (Richards et al. 2015 PMID: 25741868, with internal and published modifications).